The following is an entry in ClinVar:

NM_020547.3(AMHR2):c.502G>A (p.Ala168Thr)

Gene: AMHR2 (anti-Mullerian hormone receptor type 2; plus strand). Cytogenetic location: 12q13.13.
Variant type: single nucleotide variant.
Coding change: c.502G>A on transcript NM_020547.3 (MANE Select); coding-DNA position 502, G replaced by A.
Protein change: p.Ala168Thr; replaces alanine 168 with threonine.
Molecular consequence: missense variant.
Genome position (GRCh38, 1-based): chr12:53,425,242, G>A. VCF-style: chr12-53425242-G-A. GRCh37 (hg19) VCF-style: chr12-53819026-G-A.
Other names: c.502G>A, p.Ala168Thr (NM_001164690.2, NM_001164691.2); short protein forms A168T.
Identifiers: ClinVar variation 388365 (VCV000388365.5), dbSNP rs374601719, ClinGen allele CA6600356.
Genomic context (GRCh38, chr12:53,425,242, plus strand): 5'-GCACTGGTGCTGCTGGGGCTGTTCCTCCTCCTCCTGCTGCTGCTGGGCAGCATCATCTTG[G>A]GTACTAATCCACCCCATCCCTCCCTTGTGACCCCAAGACATTGCCCCAAAAGCTCTGACC-3'
Protein context (NP_065434.1, residues 158-178): LLLLLGSIIL[Ala168Thr]LLQRKNYRVR

ClinVar aggregate classification (germline): Pathogenic/Likely pathogenic. Review status: criteria provided, multiple submitters, no conflicts (2 of 4 stars). 2 submissions from 2 submitters: Pathogenic (1); Likely pathogenic (1). Last evaluated 2024-11-06.

Allele frequency attached by ClinVar (database versions not stated): gnomAD 0.00001; TOPMed 0.00002; ExAC 0.00003; ESP Exome Variant Server 0.00008.
gnomAD v4.1: 27 of 1,613,190 alleles (0.0017%); highest among the groups gnomAD compares: Admixed American, 0.013%; no homozygotes.

Submissions (2):

Labcorp Genetics (formerly Invitae), Labcorp
Classification: Pathogenic. Last evaluated: 2024-11-06. Review status: criteria provided, single submitter. Criteria: Invitae Variant Classification Sherloc (09022015). Collection method: clinical testing. Allele origin: germline.
Comment: This sequence change affects codon 168 of the AMHR2 mRNA. It is a 'silent' change, meaning that it does not change the encoded amino acid sequence of the AMHR2 protein. This variant also falls at the last nucleotide of exon 4, which is part of the consensus splice site for this exon. This variant is present in population databases (rs374601719, gnomAD 0.02%). This variant has been observed in individual(s) with clinical features of persistent Mullerian duct syndrome (PMID: 27461869; internal data). In at least one individual the data is consistent with being in trans (on the opposite chromosome) from a pathogenic variant. ClinVar contains an entry for this variant (Variation ID: 388365). Invitae Evidence Modeling of protein sequence and biophysical properties (such as structural, functional, and spatial information, amino acid conservation, physicochemical variation, residue mobility, and thermodynamic stability) has been performed for this missense variant. However, the output from this modeling did not meet the statistical confidence thresholds required to predict the impact of this variant on AMHR2 protein function. Variants that disrupt the consensus splice site are a relatively common cause of aberrant splicing (PMID: 17576681, 9536098). Algorithms developed to predict the effect of sequence changes on RNA splicing suggest that this variant may disrupt the consensus splice site. For these reasons, this variant has been classified as Pathogenic.

GeneDx
Classification: Likely pathogenic. Last evaluated: 2016-12-19. Review status: criteria provided, single submitter. Criteria: GeneDx Variant Classification (06012015). Collection method: clinical testing. Allele origin: germline. Affected: yes.
Comment: The A168T variant in the AMHR2 gene has been reported previously in an individual with persistent Mullerian duct syndrome who inherited another AMHR2 variant on the opposite allele (Oros-Millan et al., 2016). The A168T variant was not observed with any significant frequency in approximately 6,500 individuals of European and African American ancestry in the NHLBI Exome Sequencing Project, indicating it is not a common benign variant in these populations. The A168T variant is a non-conservative amino acid substitution, which is likely to impact secondary protein structure as these residues differ in polarity, charge, size and/or other properties. However, this substitution occurs at a position that is not conserved, and in silico analysis is inconsistent in its predictions as to whether or not the variant is damaging to the protein structure/function. We interpret the A168T variant as a likely pathogenic variant.

Literature cited by the submitters: PubMed 27461869 (cited by Labcorp Genetics (formerly Invitae), Labcorp); PubMed 17576681 (cited by Labcorp Genetics (formerly Invitae), Labcorp); PubMed 9536098 (cited by Labcorp Genetics (formerly Invitae), Labcorp).